The following is an entry in ClinVar:

NM_004104.5(FASN):c.2974A>C (p.Lys992Gln)

Gene: FASN (fatty acid synthase; minus strand). Cytogenetic location: 17q25.3.
Variant type: single nucleotide variant.
Coding change: c.2974A>C on transcript NM_004104.5 (MANE Select); coding-DNA position 2974, A replaced by C.
Protein change: p.Lys992Gln; replaces lysine 992 with glutamine.
Molecular consequence: missense variant.
Genome position (GRCh38, 1-based): chr17:82,087,754, T>G on the plus strand (A>C on the coding strand, the complement: FASN is on the minus strand). VCF-style: chr17-82087754-T-G. GRCh37 (hg19) VCF-style: chr17-80045630-T-G.
Other names: short protein forms K992Q.
Identifiers: ClinVar variation 1015786 (VCV001015786.9), dbSNP rs2034131174, ClinGen allele CA401555345.
Genomic context (GRCh38, chr17:82,087,754, plus strand): 5'-TGGCCTCCAGGATGCCCTGGAAATGAGGGCCGTAGTCGTAGCCACGCAGACGCAGCTCCT[T>G]GTAAACTTCAGCCTGGGCCAGGAAGAGGGGCTCCGTGGGGTTGGGGGTGGGGCTTTCCGG-3'
Protein context (NP_004095.4, residues 982-1002): PLFLAQAEVY[Lys992Gln]ELRLRGYDYG

ClinVar aggregate classification (germline): Uncertain significance (1 of 4 stars; one submission).

Conditions:
Epileptic encephalopathy. Identifiers: MedGen C0543888, HP:0200134.

Allele frequency attached by ClinVar (database versions not stated): gnomAD exomes below 0.00001; gnomAD 0.00001.
gnomAD v4.1: 8 of 1,612,350 alleles (0.0005%); highest among the groups gnomAD compares: African/African-American, 0.0013%; no homozygotes.

Submission:

Labcorp Genetics (formerly Invitae), Labcorp
Classification: Uncertain significance for Epileptic encephalopathy. Last evaluated: 2025-08-18. Review status: criteria provided, single submitter. Criteria: Invitae Variant Classification Sherloc (09022015). Collection method: clinical testing. Allele origin: germline.
Comment: This sequence change replaces lysine, which is basic and polar, with glutamine, which is neutral and polar, at codon 992 of the FASN protein (p.Lys992Gln). This variant is not present in population databases (gnomAD no frequency). This variant has not been reported in the literature in individuals affected with FASN-related conditions. ClinVar contains an entry for this variant (Variation ID: 1015786). An algorithm developed to predict the effect of missense changes on protein structure and function (PolyPhen-2) suggests that this variant is likely to be tolerated. In summary, the available evidence is currently insufficient to determine the role of this variant in disease. Therefore, it has been classified as a Variant of Uncertain Significance.